The following is an entry in ClinVar:

ClinVar aggregate classification (germline): Uncertain significance (1 of 4 stars; one submission).

Conditions:
Cardiovascular phenotype. Identifiers: MedGen CN230736.

Allele frequency attached by ClinVar (database versions not stated): TOPMed below 0.00001; gnomAD exomes 0.00001.
gnomAD v4.1: 9 of 1,614,040 alleles (0.00056%); highest among the groups gnomAD compares: Non-Finnish European, 0.00076%; no homozygotes.

Submission:

Ambry Genetics
Classification: Uncertain significance for Cardiovascular phenotype. Last evaluated: 2022-06-12. Review status: criteria provided, single submitter. Criteria: Ambry Variant Classification Scheme 2023. Collection method: clinical testing. Allele origin: germline.
Comment: The p.D2044N variant (also known as c.6130G>A), located in coding exon 26 of the APOB gene, results from a G to A substitution at nucleotide position 6130. The aspartic acid at codon 2044 is replaced by asparagine, an amino acid with highly similar properties. This amino acid position is conserved. In addition, this alteration is predicted to be tolerated by in silico analysis. Since supporting evidence is limited at this time, the clinical significance of this alteration remains unclear.

NM_000384.3(APOB):c.6130G>A (p.Asp2044Asn)

Gene: APOB (apolipoprotein B; minus strand). Cytogenetic location: 2p24.1.
Variant type: single nucleotide variant.
Coding change: c.6130G>A on transcript NM_000384.3 (MANE Select); coding-DNA position 6130, G replaced by A.
Protein change: p.Asp2044Asn; replaces aspartic acid 2044 with asparagine.
Molecular consequence: missense variant.
Genome position (GRCh38, 1-based): chr2:21,010,738, C>T on the plus strand (G>A on the coding strand, the complement: APOB is on the minus strand). VCF-style: chr2-21010738-C-T. GRCh37 (hg19) VCF-style: chr2-21233610-C-T.
Other names: short protein forms D2044N.
Identifiers: ClinVar variation 918313 (VCV000918313.5), dbSNP rs1663290052, ClinGen allele CA346002557.